The following is an entry in ClinVar:

ClinVar aggregate classification (germline): Likely benign. Review status: criteria provided, multiple submitters, no conflicts (2 of 4 stars). 3 submissions from 3 submitters: Likely benign (3). Last evaluated 2025-08-12.

Allele frequency attached by ClinVar (database versions not stated): TOPMed 0.00008; gnomAD 0.00009 and 0.00010; gnomAD exomes 0.00011.
gnomAD v4.1: 129 of 483,324 alleles (0.027%); highest among the groups gnomAD compares: East Asian, 0.57%; no homozygotes.

Submissions (3):

Labcorp Genetics (formerly Invitae), Labcorp
Classification: Likely benign. Last evaluated: 2025-08-12. Review status: criteria provided, single submitter. Criteria: Invitae Variant Classification Sherloc (09022015). Collection method: clinical testing. Allele origin: germline.

Blueprint Genetics
Classification: Likely benign. Last evaluated: 2024-11-20. Review status: criteria provided, single submitter. Criteria: ACMG Guidelines, 2015. Collection method: clinical testing. Allele origin: germline.

Laboratory for Molecular Medicine, Mass General Brigham Personalized Medicine
Classification: Likely benign. Last evaluated: 2017-09-12. Review status: criteria provided, single submitter. Criteria: LMM Criteria. Collection method: clinical testing. Allele origin: germline. Observed: 1 variant allele.
Comment: c.7621+11C>T in intron 44 of OTOG: This variant is not expected to have clinical significance because it is not located within the splice consensus sequence. Th is variant has been identified in 0.13% (11/8348) of East Asian chromosomes by t he Genome Aggregation Database (gnomAD; dbSNP rs369343034).

NM_001292063.2(OTOG):c.7585+11C>T

Gene: OTOG (otogelin; plus strand). Cytogenetic location: 11p15.1.
Variant type: single nucleotide variant.
Coding change: c.7585+11C>T on transcript NM_001292063.2 (MANE Select); 11 bases into the intron after coding-DNA position 7585, C replaced by T.
Molecular consequence: intron variant.
Genome position (GRCh38, 1-based): chr11:17,634,959, C>T. VCF-style: chr11-17634959-C-T. GRCh37 (hg19) VCF-style: chr11-17656506-C-T.
Other names: c.7621+11C>T (NM_001277269.2).
Identifiers: ClinVar variation 506129 (VCV000506129.13), dbSNP rs369343034, ClinGen allele CA218498771.